The following is an entry in ClinVar:

ClinVar aggregate classification (germline): Uncertain significance (1 of 4 stars; one submission).

Conditions:
Infantile-onset ascending hereditary spastic paralysis (IAHSP). Also called: Infantile-Onset Ascending Hereditary Spastic Paralysis (IAHSP); Autosomal Recessive Juvenile Amyotrophic Lateral Sclerosis. Identifiers: Orphanet 293168, MedGen C2931441, MONDO:0011797, OMIM 607225. Disease mechanism: loss of function.

Allele frequency attached by ClinVar (database versions not stated): gnomAD exomes 0.00001; ExAC 0.00002.
gnomAD v4.1: 16 of 1,613,772 alleles (0.00099%); highest among the groups gnomAD compares: Non-Finnish European, 0.0013%; no homozygotes.

Submission:

Labcorp Genetics (formerly Invitae), Labcorp
Classification: Uncertain significance for Infantile-onset ascending hereditary spastic paralysis. Last evaluated: 2022-07-06. Review status: criteria provided, single submitter. Criteria: Invitae Variant Classification Sherloc (09022015). Collection method: clinical testing. Allele origin: germline.
Comment: Algorithms developed to predict the effect of missense changes on protein structure and function (SIFT, PolyPhen-2, Align-GVGD) all suggest that this variant is likely to be tolerated. In summary, the available evidence is currently insufficient to determine the role of this variant in disease. Therefore, it has been classified as a Variant of Uncertain Significance. ClinVar contains an entry for this variant (Variation ID: 652809). This sequence change replaces threonine, which is neutral and polar, with alanine, which is neutral and non-polar, at codon 856 of the ALS2 protein (p.Thr856Ala). This variant is present in population databases (rs758153067, gnomAD 0.002%). This missense change has been observed in individual(s) with amyotrophic lateral sclerosis (PMID: 23881933).

Literature cited by the submitters: PubMed 23881933.

NM_020919.4(ALS2):c.2566A>G (p.Thr856Ala)

Gene: ALS2 (alsin Rho guanine nucleotide exchange factor ALS2; minus strand). Cytogenetic location: 2q33.1.
Variant type: single nucleotide variant.
Coding change: c.2566A>G on transcript NM_020919.4 (MANE Select); coding-DNA position 2566, A replaced by G.
Protein change: p.Thr856Ala; replaces threonine 856 with alanine.
Molecular consequence: missense variant.
Genome position (GRCh38, 1-based): chr2:201,733,290, T>C on the plus strand (A>G on the coding strand, the complement: ALS2 is on the minus strand). VCF-style: chr2-201733290-T-C. GRCh37 (hg19) VCF-style: chr2-202598013-T-C.
Other names: short protein forms T856A.
Identifiers: ClinVar variation 652809 (VCV000652809.8), dbSNP rs758153067, ClinGen allele CA2058152.